The following is an entry in ClinVar:

ClinVar aggregate classification (germline): Uncertain significance (1 of 4 stars; one submission).

gnomAD v4.1: 1 of 1,613,898 alleles (0.000062%); highest among the groups gnomAD compares: Non-Finnish European, 0.000085%; no homozygotes.

Submission:

GeneDx
Classification: Uncertain significance. Last evaluated: 2022-05-12. Review status: criteria provided, single submitter. Criteria: GeneDx Variant Classification Process June 2021. Collection method: clinical testing. Allele origin: germline. Affected: yes.
Comment: Not observed at significant frequency in large population cohorts (gnomAD); In silico analysis supports that this missense variant has a deleterious effect on protein structure/function; Has not been previously published as pathogenic or benign to our knowledge

NM_018896.5(CACNA1G):c.5598G>C (p.Glu1866Asp)

Gene: CACNA1G (calcium voltage-gated channel subunit alpha1 G; plus strand). Cytogenetic location: 17q21.33.
Variant type: single nucleotide variant.
Coding change: c.5598G>C on transcript NM_018896.5 (MANE Select); coding-DNA position 5598, G replaced by C.
Protein change: p.Glu1866Asp; replaces glutamic acid 1866 with aspartic acid.
Molecular consequence: missense variant. On other transcripts: non-coding transcript variant (5).
Genome position (GRCh38, 1-based): chr17:50,618,825, G>C. VCF-style: chr17-50618825-G-C. GRCh37 (hg19) VCF-style: chr17-48696186-G-C.
Other names: c.5544G>C, p.Glu1848Asp (NM_001256324.2, NM_198386.3); c.5619G>C, p.Glu1873Asp (NM_001256325.2); c.5463G>C, p.Glu1821Asp (NM_001256326.2, NM_001256330.2); c.5577G>C, p.Glu1859Asp (NM_001256327.2); c.5523G>C, p.Glu1841Asp (NM_001256328.2); c.5496G>C, p.Glu1832Asp (NM_001256329.2, NM_198376.3, NM_198379.3 and 2 more transcripts); c.5442G>C, p.Glu1814Asp (NM_001256331.2); c.5427G>C, p.Glu1809Asp (NM_001256332.2); and 7 more; short protein forms E1809D, E1814D, E1821D, E1825D, E1828D, E1830D, E1832D, E1839D.
Identifiers: ClinVar variation 1723509 (VCV001723509.2), dbSNP rs773455672, ClinGen allele CA400265869.